The following is an entry in ClinVar:

ClinVar aggregate classification (germline): Uncertain significance. Review status: criteria provided, multiple submitters, no conflicts (2 of 4 stars). 3 submissions from 3 submitters: Uncertain significance (3). Last evaluated 2025-05-22.

Conditions:
Cardiovascular phenotype. Identifiers: MedGen CN230736.

Allele frequency attached by ClinVar (database versions not stated): TOPMed 0.00001; gnomAD 0.00002; gnomAD exomes 0.00002 and 0.00004; ExAC 0.00007.
gnomAD v4.1: 18 of 1,614,082 alleles (0.0011%); highest among the groups gnomAD compares: Admixed American, 0.0017%; no homozygotes.

Submissions (3):

Women's Health and Genetics/Laboratory Corporation of America, LabCorp
Classification: Uncertain significance. Last evaluated: 2025-05-22. Review status: criteria provided, single submitter. Criteria: LabCorp Variant Classification Summary - May 2015. Collection method: clinical testing. Allele origin: germline.

Ambry Genetics
Classification: Uncertain significance for Cardiovascular phenotype. Last evaluated: 2024-11-18. Review status: criteria provided, single submitter. Criteria: Ambry Variant Classification Scheme 2023. Collection method: clinical testing. Allele origin: germline.
Comment: The p.T283A variant (also known as c.847A>G), located in coding exon 3 of the ALPK3 gene, results from an A to G substitution at nucleotide position 847. The threonine at codon 283 is replaced by alanine, an amino acid with similar properties. This amino acid position is conserved. In addition, this alteration is predicted to be tolerated by in silico analysis. Based on the available evidence, the clinical significance of this variant remains unclear.

Labcorp Genetics (formerly Invitae), Labcorp
Classification: Uncertain significance. Last evaluated: 2023-07-12. Review status: criteria provided, single submitter. Criteria: Invitae Variant Classification Sherloc (09022015). Collection method: clinical testing. Allele origin: germline.
Comment: This sequence change replaces threonine, which is neutral and polar, with alanine, which is neutral and non-polar, at codon 283 of the ALPK3 protein (p.Thr283Ala). This variant is present in population databases (rs201679725, gnomAD 0.007%). This variant has not been reported in the literature in individuals affected with ALPK3-related conditions. ClinVar contains an entry for this variant (Variation ID: 1345468). An algorithm developed to predict the effect of missense changes on protein structure and function (PolyPhen-2) suggests that this variant is likely to be disruptive. In summary, the available evidence is currently insufficient to determine the role of this variant in disease. Therefore, it has been classified as a Variant of Uncertain Significance.

NM_020778.5(ALPK3):c.241A>G (p.Thr81Ala)

Gene: ALPK3 (alpha kinase 3; plus strand). Cytogenetic location: 15q25.3.
Variant type: single nucleotide variant.
Coding change: c.241A>G on transcript NM_020778.5 (MANE Select); coding-DNA position 241, A replaced by G.
Protein change: p.Thr81Ala; replaces threonine 81 with alanine.
Molecular consequence: missense variant.
Genome position (GRCh38, 1-based): chr15:84,827,542, A>G. VCF-style: chr15-84827542-A-G. GRCh37 (hg19) VCF-style: chr15-85370773-A-G.
Other names: c.847A>G (NM_020778.4); short protein forms T81A.
Identifiers: ClinVar variation 1345468 (VCV001345468.10), dbSNP rs201679725, ClinGen allele CA7708900.